The following is an entry in ClinVar:

NM_001455.4(FOXO3):c.*35-288A>G

Gene: FOXO3 (forkhead box O3; plus strand). Cytogenetic location: 6q21.
Variant type: single nucleotide variant.
Coding change: c.*35-288A>G on transcript NM_001455.4 (MANE Select); 288 bases into the intron before 35 bases downstream of the stop codon, A replaced by G.
Molecular consequence: intron variant.
Genome position (GRCh38, 1-based): chr6:108,679,539, A>G. VCF-style: chr6-108679539-A-G. GRCh37 (hg19) VCF-style: chr6-109000742-A-G.
Other names: c.*35-288A>G (NM_201559.3).
Identifiers: ClinVar variation 1277545 (VCV001277545.1), dbSNP rs4946935, ClinGen allele CA12404331.
Genomic context (GRCh38, chr6:108,679,539, plus strand): 5'-CAGAATCTTATCTGCACCTTGAACATCTAACTAAAAAGGACCCACCAAAACACCCCTAAT[A>G]TGGCTTTCTTTATCTCCCAAAGTGAATGATCCCATTCCCTTTGGGCTTTTCAACTTCAGA-3'

ClinVar aggregate classification (germline): Benign (1 of 4 stars; one submission).

Allele frequency attached by ClinVar (database versions not stated): 1000 Genomes Project 30x 0.48345; 1000 Genomes Project 0.48862; TOPMed 0.53441; gnomAD 0.53853 and 0.54333.
gnomAD v4.1: 82,872 of 151,954 alleles (55%); highest among the groups gnomAD compares: East Asian, 71%; 26,594 homozygotes.

Submission:

GeneDx
Classification: Benign. Last evaluated: 2019-01-10. Review status: criteria provided, single submitter. Criteria: GeneDx Variant Classification Process June 2021. Collection method: clinical testing. Allele origin: germline. Affected: yes.
Comment: This variant is associated with the following publications: (PMID: 29234056)